The following is an entry in ClinVar:

ClinVar aggregate classification (germline): Uncertain significance (0 of 4 stars; one submission).

Conditions:
SEMA3G-related disorder. Also called: SEMA3G-related condition.

Submission:

PreventionGenetics, part of Exact Sciences
Classification: Uncertain significance for SEMA3G-related condition. Last evaluated: 2024-04-29. Review status: no assertion criteria provided. Collection method: clinical testing. Allele origin: germline.
Comment: The SEMA3G c.740_742delTCT variant is predicted to result in an in-frame deletion (p.Phe247del). To our knowledge, this variant has not been reported in the literature. This variant is reported in 0.0050% of alleles in individuals of East Asian descent in gnomAD. At this time, the clinical significance of this variant is uncertain due to the absence of conclusive functional and genetic evidence.

NM_020163.3(SEMA3G):c.734TCT[2] (p.Phe247del)

Gene: SEMA3G (semaphorin 3G; minus strand). Cytogenetic location: 3p21.1.
Variant type: Microsatellite.
Coding change: c.734TCT[2] on transcript NM_020163.3 (MANE Select); two copies in a row of the 3-base unit TCT starting at c.734; the reference has three copies in a row; one copy, 3 bases deleted.
Protein change: p.Phe247del; deletes phenylalanine 247.
Molecular consequence: inframe deletion.
Genome position (GRCh38, 1-based): chr3:52,441,335-52,441,337, AGA deleted on the plus strand (TCT on the coding strand, the reverse complement: SEMA3G is on the minus strand); deleting any 3 consecutive bases within chr3:52,441,335-52,441,345 gives the same sequence; the position shown is the placement nearest the transcript's 3' end. VCF-style (leftmost placement, unchanged base first): chr3-52441334-GAGA-G. GRCh37 (hg19) VCF-style: chr3-52475350-GAGA-G.
Other names: short protein forms F247del.
Identifiers: ClinVar variation 3350307 (VCV003350307.1).
Genomic context (GRCh38, chr3:52,441,334, plus strand): 5'-CGGCCCACGCGGCTGACAGTGACATGGTTCGAGCCACCATCGGGCGAGGGGACCGTCTCC[GAGA>G]AGAAGAAGTACACCTTGTCATTGTCCTGGTCAGAGTTCTCAGGGATCCGGGCGGCCATCA-3'